The following is an entry in ClinVar:

ClinVar aggregate classification (germline): Benign. Review status: criteria provided, multiple submitters, no conflicts (2 of 4 stars). 5 submissions from 5 submitters: Benign (5). Last evaluated 2026-02-03.

Conditions:
Progressive familial heart block type IB (PFHB1B). Identifiers: Orphanet 871, MedGen C1970298, MONDO:0011474, OMIM 604559.

Allele frequency attached by ClinVar (database versions not stated): gnomAD exomes 0.01347; ExAC 0.01626; gnomAD 0.05234 and 0.05613; 1000 Genomes Project 0.05351; 1000 Genomes Project 30x 0.05746; TOPMed 0.05957; ESP Exome Variant Server 0.05982.
gnomAD v4.1: 15,678 of 1,613,504 alleles (0.97%); highest among the groups gnomAD compares: African/African-American, 19%; 1,329 homozygotes.

Submissions (5):

Labcorp Genetics (formerly Invitae), Labcorp
Classification: Benign for Progressive familial heart block type IB. Last evaluated: 2026-02-03. Review status: criteria provided, single submitter. Criteria: Invitae Variant Classification Sherloc (09022015). Collection method: clinical testing. Allele origin: germline.

Women's Health and Genetics/Laboratory Corporation of America, LabCorp
Classification: Benign. Last evaluated: 2023-10-19. Review status: criteria provided, single submitter. Criteria: LabCorp Variant Classification Summary - May 2015. Collection method: clinical testing. Allele origin: germline.

Illumina Laboratory Services, Illumina
Classification: Benign for Progressive familial heart block type IB. Last evaluated: 2018-01-12. Review status: criteria provided, single submitter. Criteria: ICSL Variant Classification Criteria 13 December 2019. Collection method: clinical testing. Allele origin: germline.
Comment: This variant was observed in the ICSL laboratory as part of a predisposition screen in an ostensibly healthy population. It had not been previously curated by ICSL or reported in the Human Gene Mutation Database (HGMD: prior to June 1st, 2018), and was therefore a candidate for classification through an automated scoring system. Utilizing variant allele frequency, disease prevalence and penetrance estimates, and inheritance mode, an automated score was calculated to assess if this variant is too frequent to cause the disease. Based on the score and internal cut-off values, a variant classified as benign is not then subjected to further curation. The score for this variant resulted in a classification of benign for this disease.

GeneDx
Classification: Benign. Last evaluated: 2016-10-26. Review status: criteria provided, single submitter. Criteria: GeneDx Variant Classification (06012015). Collection method: clinical testing. Allele origin: germline. Affected: yes.
Comment: This variant is considered likely benign or benign based on one or more of the following criteria: it is a conservative change, it occurs at a poorly conserved position in the protein, it is predicted to be benign by multiple in silico algorithms, and/or has population frequency not consistent with disease.

Breakthrough Genomics
Classification: Benign. Review status: criteria provided, single submitter. Criteria: ACMG Guidelines, 2015. Collection method: not provided. Allele origin: germline. Inheritance: Autosomal dominant inheritance. Affected: yes.

NM_017636.4(TRPM4):c.2210+11C>G

Gene: TRPM4 (transient receptor potential cation channel subfamily M member 4; plus strand). Cytogenetic location: 19q13.33.
Variant type: single nucleotide variant.
Coding change: c.2210+11C>G on transcript NM_017636.4 (MANE Select); 11 bases into the intron after coding-DNA position 2210, C replaced by G.
Molecular consequence: intron variant.
Genome position (GRCh38, 1-based): chr19:49,190,784, C>G. VCF-style: chr19-49190784-C-G. GRCh37 (hg19) VCF-style: chr19-49694041-C-G.
Other names: c.2210+11C>G (NM_001195227.2); c.602+11C>G (NM_001321282.2); c.1865+11C>G (NM_001321281.2); c.1688+11C>G (NM_001321283.2); c.1148+11C>G (NM_001321285.2).
Identifiers: ClinVar variation 329860 (VCV000329860.14), dbSNP rs1175796, ClinGen allele CA9569480.
Genomic context (GRCh38, chr19:49,190,784, plus strand): 5'-GAGCTAGAGTTTGACATGGATAGTGTCATTAATGGGGAAGGGCCTGTCGGGTGAGTGGAG[C>G]CTCCAGCACTGTGTGAGGTGGGGACACCCTGGGCAGTTCAGGACATGTGCCAGTTCCACG-3'